The following is an entry in ClinVar:

NM_020461.4(TUBGCP6):c.3965C>A (p.Pro1322His)

Gene: TUBGCP6 (tubulin gamma complex component 6; minus strand). Cytogenetic location: 22q13.33.
Variant type: single nucleotide variant.
Coding change: c.3965C>A on transcript NM_020461.4 (MANE Select); coding-DNA position 3965, C replaced by A.
Protein change: p.Pro1322His; replaces proline 1322 with histidine.
Molecular consequence: missense variant.
Genome position (GRCh38, 1-based): chr22:50,220,394, G>T on the plus strand (C>A on the coding strand, the complement: TUBGCP6 is on the minus strand). VCF-style: chr22-50220394-G-T. GRCh37 (hg19) VCF-style: chr22-50658823-G-T.
Other names: short protein forms P1322H.
Identifiers: ClinVar variation 1911774 (VCV001911774.5), dbSNP rs1248438055, ClinGen allele CA412177589.

ClinVar aggregate classification (germline): Uncertain significance (1 of 4 stars; one submission).

Allele frequency attached by ClinVar (database versions not stated): gnomAD exomes below 0.00001.
gnomAD v4.1: 4 of 1,574,170 alleles (0.00025%); highest among the groups gnomAD compares: Middle Eastern, 0.017%; no homozygotes.

Submission:

Labcorp Genetics (formerly Invitae), Labcorp
Classification: Uncertain significance. Last evaluated: 2024-10-25. Review status: criteria provided, single submitter. Criteria: Invitae Variant Classification Sherloc (09022015). Collection method: clinical testing. Allele origin: germline.
Comment: This sequence change replaces proline, which is neutral and non-polar, with histidine, which is basic and polar, at codon 1322 of the TUBGCP6 protein (p.Pro1322His). This variant is not present in population databases (gnomAD no frequency). This variant has not been reported in the literature in individuals affected with TUBGCP6-related conditions. ClinVar contains an entry for this variant (Variation ID: 1911774). An algorithm developed to predict the effect of missense changes on protein structure and function (PolyPhen-2) suggests that this variant is likely to be tolerated. In summary, the available evidence is currently insufficient to determine the role of this variant in disease. Therefore, it has been classified as a Variant of Uncertain Significance.